The following is an entry in ClinVar:

ClinVar aggregate classification (germline): Uncertain significance (1 of 4 stars; one submission).

Conditions:
Tumor predisposition syndrome 3 (TPDS3). Also called: Glioma susceptibility 9; LONG TELOMERE SYNDROME, POT1-RELATED; POT1 Tumor Predisposition; Melanoma, cutaneous malignant, susceptibility to, 10. Identifiers: Orphanet 618, MedGen C4014476, MONDO:0014368, OMIM 615848.

Allele frequency attached by ClinVar (database versions not stated): gnomAD exomes below 0.00001.
gnomAD v4.1: 1 of 1,610,494 alleles (0.000062%); highest among the groups gnomAD compares: Non-Finnish European, 0.000085%; no homozygotes.

Submission:

Labcorp Genetics (formerly Invitae), Labcorp
Classification: Uncertain significance for Tumor predisposition syndrome 3. Last evaluated: 2020-06-26. Review status: criteria provided, single submitter. Criteria: Invitae Variant Classification Sherloc (09022015). Collection method: clinical testing. Allele origin: germline.
Comment: In summary, the available evidence is currently insufficient to determine the role of this variant in disease. Therefore, it has been classified as a Variant of Uncertain Significance. Algorithms developed to predict the effect of missense changes on protein structure and function (SIFT, PolyPhen-2, Align-GVGD) all suggest that this variant is likely to be disruptive, but these predictions have not been confirmed by published functional studies and their clinical significance is uncertain. This variant has not been reported in the literature in individuals with POT1-related conditions. This variant is not present in population databases (ExAC no frequency). This sequence change replaces histidine with asparagine at codon 226 of the POT1 protein (p.His226Asn). The histidine residue is highly conserved and there is a small physicochemical difference between histidine and asparagine.

NM_015450.3(POT1):c.676C>A (p.His226Asn)

Gene: POT1 (protection of telomeres 1; minus strand). Cytogenetic location: 7q31.33.
Variant type: single nucleotide variant.
Coding change: c.676C>A on transcript NM_015450.3 (MANE Select); coding-DNA position 676, C replaced by A.
Protein change: p.His226Asn; replaces histidine 226 with asparagine.
Molecular consequence: missense variant. On other transcripts: non-coding transcript variant (3).
Genome position (GRCh38, 1-based): chr7:124,858,983, G>T on the plus strand (C>A on the coding strand, the complement: POT1 is on the minus strand). VCF-style: chr7-124858983-G-T. GRCh37 (hg19) VCF-style: chr7-124499037-G-T.
Other names: c.283C>A, p.His95Asn (NM_001042594.2); short protein forms H226N, H95N.
Identifiers: ClinVar variation 1018835 (VCV001018835.9), dbSNP rs1225635203, ClinGen allele CA369056094.
Genomic context (GRCh38, chr7:124,858,983, plus strand): 5'-ACATAAAATAACATTTTTTCCTACTATACATCACCTTCAGAGATCTTGCCACATGAACAT[G>T]GTTATCGTAGACTAAAATGTCTATTGTCAGATTTTGTAGCCGATGGATGTGACTTAAATC-3'
Protein context (NP_056265.2, residues 216-236): LTIDILVYDN[His226Asn]VHVARSLKVG